The following is an entry in ClinVar:

NM_004629.2(FANCG):c.1171C>G (p.Pro391Ala)

Gene: FANCG (FA complementation group G; minus strand). Cytogenetic location: 9p13.3.
Variant type: single nucleotide variant.
Coding change: c.1171C>G on transcript NM_004629.2 (MANE Select); coding-DNA position 1171, C replaced by G.
Protein change: p.Pro391Ala; replaces proline 391 with alanine.
Molecular consequence: missense variant.
Genome position (GRCh38, 1-based): chr9:35,075,727, G>C on the plus strand (C>G on the coding strand, the complement: FANCG is on the minus strand). VCF-style: chr9-35075727-G-C. GRCh37 (hg19) VCF-style: chr9-35075724-G-C.
Other names: short protein forms P391A.
Identifiers: ClinVar variation 3512845 (VCV003512845.1).

ClinVar aggregate classification (germline): Uncertain significance (1 of 4 stars; one submission).

Conditions:
Inborn genetic diseases. Identifiers: MedGen C0950123, MeSH D030342.

Submission:

Ambry Genetics
Classification: Uncertain significance for Inborn genetic diseases. Last evaluated: 2024-11-26. Review status: criteria provided, single submitter. Criteria: Ambry Variant Classification Scheme 2023. Collection method: clinical testing. Allele origin: germline.
Comment: The p.P391A variant (also known as c.1171C>G), located in coding exon 10 of the FANCG gene, results from a C to G substitution at nucleotide position 1171. The proline at codon 391 is replaced by alanine, an amino acid with highly similar properties. This amino acid position is conserved. In addition, this alteration is predicted to be tolerated by in silico analysis. Based on the available evidence, the clinical significance of this variant remains unclear.